The following is an entry in ClinVar:

NM_030928.4(CDT1):c.1384C>T (p.Arg462Trp)

Gene: CDT1 (chromatin licensing and DNA replication factor 1; plus strand). Cytogenetic location: 16q24.3.
Variant type: single nucleotide variant.
Coding change: c.1384C>T on transcript NM_030928.4 (MANE Select); coding-DNA position 1384, C replaced by T.
Protein change: p.Arg462Trp; replaces arginine 462 with tryptophan.
Molecular consequence: missense variant.
Genome position (GRCh38, 1-based): chr16:88,807,389, C>T. VCF-style: chr16-88807389-C-T. GRCh37 (hg19) VCF-style: chr16-88873797-C-T.
Other names: short protein forms R462W.
Identifiers: ClinVar variation 1038117 (VCV001038117.8), dbSNP rs755500544, ClinGen allele CA8234144.

ClinVar aggregate classification (germline): Uncertain significance (1 of 4 stars; one submission).

Allele frequency attached by ClinVar (database versions not stated): gnomAD 0.00002; gnomAD exomes 0.00002 and 0.00004; ExAC 0.00003; TOPMed 0.00003.
gnomAD v4.1: 74 of 1,612,644 alleles (0.0046%); highest among the groups gnomAD compares: Non-Finnish European, 0.0053%; no homozygotes.

Submission:

Labcorp Genetics (formerly Invitae), Labcorp
Classification: Uncertain significance. Last evaluated: 2020-05-31. Review status: criteria provided, single submitter. Criteria: Invitae Variant Classification Sherloc (09022015). Collection method: clinical testing. Allele origin: germline.
Comment: In summary, the available evidence is currently insufficient to determine the role of this variant in disease. Therefore, it has been classified as a Variant of Uncertain Significance. This sequence change replaces arginine with tryptophan at codon 462 of the CDT1 protein (p.Arg462Trp). The arginine residue is highly conserved and there is a moderate physicochemical difference between arginine and tryptophan. This variant disrupts the p.Arg462 amino acid residue in CDT1. Other variant(s) that disrupt this residue have been determined to be pathogenic (PMID: 21358632). This suggests that this residue is clinically significant, and that variants that disrupt this residue are likely to be disease-causing. Algorithms developed to predict the effect of missense changes on protein structure and function are either unavailable or do not agree on the potential impact of this missense change (SIFT: "Deleterious"; PolyPhen-2: "Probably Damaging"; Align-GVGD: "Class C0"). This variant has not been reported in the literature in individuals with CDT1-related conditions. This variant is present in population databases (rs755500544, ExAC 0.005%).

Literature cited by the submitters: PubMed 21358632.